The following is an entry in ClinVar:

NM_058216.3(RAD51C):c.918A>G (p.Gly306=)

Gene: RAD51C (RAD51 paralog C; plus strand). Cytogenetic location: 17q22.
Variant type: single nucleotide variant.
Coding change: c.918A>G on transcript NM_058216.3 (MANE Select); coding-DNA position 918, A replaced by G.
Protein change: p.Gly306=; no amino-acid change (glycine 306 retained).
Molecular consequence: synonymous variant. On other transcripts: non-coding transcript variant (1).
Genome position (GRCh38, 1-based): chr17:58,724,053, A>G. VCF-style: chr17-58724053-A-G. GRCh37 (hg19) VCF-style: chr17-56801414-A-G.
Identifiers: ClinVar variation 1536260 (VCV001536260.9), dbSNP rs2143961685, ClinGen allele CA501075901.
Genomic context (GRCh38, chr17:58,724,053, plus strand): 5'-ACCAAGTCAGTAAGGCCATATACAGTTATTATGTTTTTTACTCTCAGGGGAAAGTTGGGG[A>G]CATGCTGCTACAATACGGCTAATCTTTCATTGGGACCGAAAGCAAAGGTCAGTACAGAAA-3'
Protein context (NP_478123.1, residues 296-316): LLVPALGESW[Gly306=]HAATIRLIFH

ClinVar aggregate classification (germline): Benign/Likely benign. Review status: criteria provided, multiple submitters, no conflicts (2 of 4 stars). 2 submissions from 2 submitters: Benign (1); Likely benign (1). Last evaluated 2025-03-25.

Conditions:
Fanconi anemia complementation group O. Also called: RAD51C-Related Fanconi Anemia. Identifiers: Orphanet 84, MedGen C3150653, MONDO:0013248, OMIM 613390.
Breast-ovarian cancer, familial, susceptibility to, 3. Also called: RAD51C-Related Breast/Ovarian Cancer. Identifiers: Orphanet 145, MedGen C3150659, MONDO:0013253, OMIM 613399.

Submissions (2):

Labcorp Genetics (formerly Invitae), Labcorp
Classification: Likely benign for Fanconi anemia complementation group O. Last evaluated: 2025-03-25. Review status: criteria provided, single submitter. Criteria: Invitae Variant Classification Sherloc (09022015). Collection method: clinical testing. Allele origin: germline.

Myriad Genetics, Inc.
Classification: Benign for Breast-ovarian cancer, familial, susceptibility to, 3. Last evaluated: 2025-02-19. Review status: criteria provided, single submitter. Criteria: Myriad Autosomal Dominant, Autosomal Recessive and X-Linked Classification Criteria (2023). Collection method: clinical testing. Allele origin: unknown.
Comment: This variant is considered benign. This variant is a silent/synonymous amino acid change and it is not expected to impact splicing.